The following is an entry in ClinVar:

ClinVar aggregate classification (germline): Likely benign. Review status: criteria provided, multiple submitters, no conflicts (2 of 4 stars). 2 submissions from 2 submitters: Likely benign (2). Last evaluated 2025-09-21.

Conditions:
Charcot-Marie-Tooth disease axonal type 2O. Also called: CHARCOT-MARIE-TOOTH NEUROPATHY, AXONAL, TYPE 2O; CHARCOT-MARIE-TOOTH DISEASE, AXONAL, AUTOSOMAL DOMINANT, TYPE 2O; Charcot-Marie-Tooth Neuropathy Type 2O; Charcot-Marie-Tooth disease, axonal, type 20. Identifiers: Orphanet 284232, MedGen C3280220, MONDO:0013644, OMIM 614228.

Allele frequency attached by ClinVar (database versions not stated): gnomAD 0.00001 and 0.00003; gnomAD exomes 0.00001 and 0.00002; ExAC 0.00003; TOPMed 0.00004; ESP Exome Variant Server 0.00008; 1000 Genomes Project 30x 0.00016; 1000 Genomes Project 0.00020.
gnomAD v4.1: 17 of 1,614,174 alleles (0.0011%); highest among the groups gnomAD compares: Admixed American, 0.0033%; no homozygotes.

Submissions (2):

Labcorp Genetics (formerly Invitae), Labcorp
Classification: Likely benign for Charcot-Marie-Tooth disease axonal type 2O. Last evaluated: 2025-09-21. Review status: criteria provided, single submitter. Criteria: Invitae Variant Classification Sherloc (09022015). Collection method: clinical testing. Allele origin: germline.

CeGaT Center for Human Genetics Tuebingen
Classification: Likely benign. Last evaluated: 2023-08-01. Review status: criteria provided, single submitter. Criteria: CeGaT Center For Human Genetics Tuebingen Variant Classification Criteria Version 2. Collection method: clinical testing. Allele origin: germline. Affected: yes. Observed: 1 variant allele.
Comment: DYNC1H1: PP2, BP4, BS2

NM_001376.5(DYNC1H1):c.5327C>T (p.Ala1776Val)

Gene: DYNC1H1 (dynein cytoplasmic 1 heavy chain 1; plus strand). Cytogenetic location: 14q32.31.
Variant type: single nucleotide variant.
Coding change: c.5327C>T on transcript NM_001376.5 (MANE Select); coding-DNA position 5327, C replaced by T.
Protein change: p.Ala1776Val; replaces alanine 1776 with valine.
Molecular consequence: missense variant.
Genome position (GRCh38, 1-based): chr14:102,005,130, C>T. VCF-style: chr14-102005130-C-T. GRCh37 (hg19) VCF-style: chr14-102471467-C-T.
Other names: short protein forms A1776V.
Identifiers: ClinVar variation 1042704 (VCV001042704.30), dbSNP rs201902137, ClinGen allele CA7352403.